The following is an entry in ClinVar:

NM_015465.5(GEMIN5):c.3153_3160dup (p.Asp1054fs)

Gene: GEMIN5 (gem nuclear organelle associated protein 5; minus strand). Cytogenetic location: 5q33.2.
Variant type: Duplication.
Coding change: c.3153_3160dup on transcript NM_015465.5 (MANE Select); coding-DNA positions 3153 to 3160, 8 bases duplicated (TGCTTATG; older notation c.3153_3160dupTGCTTATG).
Protein change: p.Asp1054fs; shifts the reading frame from aspartic acid 1054.
Molecular consequence: frameshift variant.
Genome position (GRCh38, 1-based): chr5:154,898,625-154,898,632, CATAAGCA duplicated on the plus strand (TGCTTATG on the coding strand, the reverse complement: GEMIN5 is on the minus strand); duplicating any 8 consecutive bases within chr5:154,898,625-154,898,634 gives the same sequence; the c. name uses the placement nearest the transcript's 3' end. VCF-style (leftmost placement, unchanged base first): chr5-154898624-T-TCATAAGCA. GRCh37 (hg19) VCF-style: chr5-154278184-T-TCATAAGCA.
Other names: c.3150_3157dup, p.Asp1053fs (NM_001252156.2); short protein forms D1053fs, D1054fs.
Identifiers: ClinVar variation 2630379 (VCV002630379.1), dbSNP rs762138120, ClinGen allele CA3528463.

ClinVar aggregate classification (germline): Likely pathogenic (1 of 4 stars; one submission).

Conditions:
GEMIN5-related disorder. Also called: GEMIN5-Related Disorders; GEMIN5-related condition.

Submission:

PreventionGenetics, part of Exact Sciences
Classification: Likely pathogenic for GEMIN5-related condition. Last evaluated: 2023-02-27. Review status: criteria provided, single submitter. Criteria: ACMG Guidelines, 2015. Collection method: clinical testing. Allele origin: germline.
Comment: The GEMIN5 c.3153_3160dup8 variant is predicted to result in a frameshift and premature protein termination (p.Asp1054Valfs*28). To our knowledge, this variant has not been reported in the literature. This variant is reported in 0.00088% of alleles in individuals of European (Non-Finnish) descent in gnomAD. Frameshift variants in GEMIN5 are expected to be pathogenic. This variant is interpreted as likely pathogenic.